The following is an entry in ClinVar:

NM_015047.3(EMC1):c.2261G>A (p.Arg754His)

Genes: EMC1 (ER membrane protein complex subunit 1; minus strand), EMC1-AS1 (EMC1 antisense RNA 1; plus strand). Cytogenetic location: 1p36.13.
Variant type: single nucleotide variant.
Coding change: c.2261G>A on transcript NM_015047.3 (MANE Select); coding-DNA position 2261, G replaced by A.
Protein change: p.Arg754His; replaces arginine 754 with histidine.
Molecular consequence: missense variant.
Genome position (GRCh38, 1-based): chr1:19,223,511, C>T on the plus strand (G>A on the coding strand, the complement: EMC1 is on the minus strand). VCF-style: chr1-19223511-C-T. GRCh37 (hg19) VCF-style: chr1-19550005-C-T.
Other names: c.2258G>A, p.Arg753His (NM_001271427.2, NM_001271428.2); c.2195G>A, p.Arg732His (NM_001271429.2); c.2270G>A, p.Arg757His (NM_001375820.1); c.2267G>A, p.Arg756His (NM_001375821.1); short protein forms R732H, R753H, R756H, R754H, R757H.
Identifiers: ClinVar variation 3275259 (VCV003275259.3).

ClinVar aggregate classification (germline): Uncertain significance. Review status: criteria provided, multiple submitters, no conflicts (2 of 4 stars). 2 submissions from 2 submitters: Uncertain significance (2). Last evaluated 2024-04-15.

Conditions:
Inborn genetic diseases. Identifiers: MedGen C0950123, MeSH D030342.

gnomAD v4.1: 10 of 1,614,002 alleles (0.00062%); highest among the groups gnomAD compares: African/African-American, 0.011%; no homozygotes.

Submissions (2):

Ambry Genetics
Classification: Uncertain significance for Inborn genetic diseases. Last evaluated: 2024-04-15. Review status: criteria provided, single submitter. Criteria: Ambry Variant Classification Scheme 2023. Collection method: clinical testing. Allele origin: germline.

Labcorp Genetics (formerly Invitae), Labcorp
Classification: Uncertain significance. Last evaluated: 2024-03-19. Review status: criteria provided, single submitter. Criteria: Invitae Variant Classification Sherloc (09022015). Collection method: clinical testing. Allele origin: germline.
Comment: This sequence change replaces arginine, which is basic and polar, with histidine, which is basic and polar, at codon 754 of the EMC1 protein (p.Arg754His). This variant is present in population databases (no rsID available, gnomAD 0.01%). This variant has not been reported in the literature in individuals affected with EMC1-related conditions. Advanced modeling of protein sequence and biophysical properties (such as structural, functional, and spatial information, amino acid conservation, physicochemical variation, residue mobility, and thermodynamic stability) performed at Invitae indicates that this missense variant is expected to disrupt EMC1 protein function with a positive predictive value of 80%. In summary, the available evidence is currently insufficient to determine the role of this variant in disease. Therefore, it has been classified as a Variant of Uncertain Significance.